The following is an entry in ClinVar:

NM_000051.4(ATM):c.8878T>C (p.Trp2960Arg)

Genes: ATM (ATM serine/threonine kinase; plus strand), C11orf65 (chromosome 11 open reading frame 65; minus strand). Cytogenetic location: 11q22.3.
Variant type: single nucleotide variant.
Coding change: c.8878T>C on transcript NM_000051.4 (MANE Select); coding-DNA position 8878, T replaced by C.
Protein change: p.Trp2960Arg; replaces tryptophan 2960 with arginine.
Molecular consequence: missense variant. On other transcripts: intron variant (2).
Genome position (GRCh38, 1-based): chr11:108,365,109, T>C. VCF-style: chr11-108365109-T-C. GRCh37 (hg19) VCF-style: chr11-108235836-T-C.
Other names: c.694+20811A>G (NM_001351110.2); c.8878T>C, p.Trp2960Arg (NM_001351834.2); c.640+20811A>G (NM_001330368.2); short protein forms W2960R.
Identifiers: ClinVar variation 420846 (VCV000420846.16), dbSNP rs1064794739, ClinGen allele CA16619268.

ClinVar aggregate classification (germline): Uncertain significance. Review status: criteria provided, multiple submitters, no conflicts (2 of 4 stars). 4 submissions from 4 submitters: Uncertain significance (4). Last evaluated 2025-03-09.

Conditions:
Hereditary cancer-predisposing syndrome. Also called: Neoplastic Syndromes, Hereditary; Hereditary Cancer Syndrome; Tumor predisposition; Hereditary neoplastic syndrome. Identifiers: Orphanet 140162, MedGen C0027672, MeSH D009386, MONDO:0015356.
Ataxia-telangiectasia syndrome (AT). Also called: LOUIS-BAR SYNDROME; Cerebello-oculocutaneous telangiectasia; Immunodeficiency with ataxia telangiectasia; Ataxia-telangiectasia, complementation group D; AT, COMPLEMENTATION GROUP C; Ataxia-telangiectasia, complementation group E. Identifiers: Orphanet 100, MedGen C0004135, MONDO:0008840, OMIM 208900.

Submissions (4):

Labcorp Genetics (formerly Invitae), Labcorp
Classification: Uncertain significance for Ataxia-telangiectasia syndrome. Last evaluated: 2025-03-09. Review status: criteria provided, single submitter. Criteria: Invitae Variant Classification Sherloc (09022015). Collection method: clinical testing. Allele origin: germline.
Comment: This sequence change replaces tryptophan, which is neutral and slightly polar, with arginine, which is basic and polar, at codon 2960 of the ATM protein (p.Trp2960Arg). This variant is not present in population databases (gnomAD no frequency). This variant has not been reported in the literature in individuals affected with ATM-related conditions. ClinVar contains an entry for this variant (Variation ID: 420846). Invitae Evidence Modeling of protein sequence and biophysical properties (such as structural, functional, and spatial information, amino acid conservation, physicochemical variation, residue mobility, and thermodynamic stability) indicates that this missense variant is expected to disrupt ATM protein function with a positive predictive value of 95%. In summary, the available evidence is currently insufficient to determine the role of this variant in disease. Therefore, it has been classified as a Variant of Uncertain Significance.

Color Diagnostics, LLC DBA Color Health
Classification: Uncertain significance for Hereditary cancer-predisposing syndrome. Last evaluated: 2023-12-05. Review status: criteria provided, single submitter. Criteria: ACMG Guidelines, 2015. Collection method: clinical testing. Allele origin: germline.
Comment: This missense variant replaces tryptophan with arginine at codon 2960 of the ATM protein. Computational prediction suggests that this variant may have deleterious impact on protein structure and function (internally defined REVEL score threshold >= 0.7, PMID: 27666373). To our knowledge, functional studies have not been reported for this variant. This variant has not been reported in individuals affected with ATM-related disorders in the literature. This variant has not been identified in the general population by the Genome Aggregation Database (gnomAD). The available evidence is insufficient to determine the role of this variant in disease conclusively. Therefore, this variant is classified as a Variant of Uncertain Significance.

GeneDx
Classification: Uncertain significance. Last evaluated: 2018-01-09. Review status: criteria provided, single submitter. Criteria: GeneDx Variant Classification (06012015). Collection method: clinical testing. Allele origin: germline. Affected: yes.
Comment: This variant is denoted ATM c.8878T>C at the cDNA level, p.Trp2960Arg (W2960R) at the protein level, and results in the change of a Tryptophan to an Arginine (TGG>CGG). This variant has not, to our knowledge, been published in the literature as pathogenic or benign. ATM Trp2960Arg was not observed in approximately 6,500 individuals of European and African American ancestry in the NHLBI Exome Sequencing Project, suggesting it is not a common benign variant in these populations. Since Tryptophan and Arginine differ in polarity, charge, size or other properties, this is considered a non-conservative amino acid substitution. ATM Trp2960Arg occurs at a position that is conserved across species and is located in the PI3-PI4 kinase domain (Tavtigian 2009, Stracker 2013). In silico analyses predict that this variant is probably damaging to protein structure and function. Based on currently available evidence, it is unclear whether ATM Trp2960Arg is a pathogenic or benign variant. We consider it to be a variant of uncertain significance.

Ambry Genetics
Classification: Uncertain significance for Hereditary cancer-predisposing syndrome. Last evaluated: 2016-11-11. Review status: criteria provided, single submitter. Criteria: Ambry Variant Classification Scheme 2023. Collection method: clinical testing. Allele origin: germline.
Comment: The p.W2960R variant (also known as c.8878T>C), located in coding exon 61 of the ATM gene, results from a T to C substitution at nucleotide position 8878. The tryptophan at codon 2960 is replaced by arginine, an amino acid with dissimilar properties. This variant was not reported in population based cohorts in the following databases: Database of Single Nucleotide Polymorphisms (dbSNP), NHLBI Exome Sequencing Project (ESP), and 1000 Genomes Project. In the ESP, this variant was not observed in 6499 samples (12998 alleles) with coverage at this position. To date, this alteration has been detected with an allele frequency of approximately 0.0005% (greater than 180000 alleles tested) in our clinical cohort. The variant is located within the PI3 kinase catalytic domain, and this amino acid position is highly conserved in available vertebrate species. In addition, this alteration is predicted to be deleterious by in silico analysis. Since supporting evidence is limited at this time, the clinical significance of this alteration remains unclear.